The following is an entry in ClinVar:

ClinVar aggregate classification (germline): Uncertain significance (1 of 4 stars; one submission).

Conditions:
2-aminoadipic 2-oxoadipic aciduria (AAKAD). Also called: Aminoadipic aciduria; ALPHA-AMINOADIPIC AND ALPHA-KETOADIPIC ACIDURIA. Identifiers: Orphanet 79154, MedGen C1859817, MONDO:0008774, OMIM 204750.

Allele frequency attached by ClinVar (database versions not stated): TOPMed below 0.00001; ExAC 0.00001.
gnomAD v4.1: 5 of 1,614,138 alleles (0.00031%); highest among the groups gnomAD compares: Admixed American, 0.0067%; no homozygotes.

Submission:

Labcorp Genetics (formerly Invitae), Labcorp
Classification: Uncertain significance for 2-aminoadipic 2-oxoadipic aciduria. Last evaluated: 2023-04-18. Review status: criteria provided, single submitter. Criteria: Invitae Variant Classification Sherloc (09022015). Collection method: clinical testing. Allele origin: germline.
Comment: Advanced modeling of protein sequence and biophysical properties (such as structural, functional, and spatial information, amino acid conservation, physicochemical variation, residue mobility, and thermodynamic stability) performed at Invitae indicates that this missense variant is not expected to disrupt DHTKD1 protein function. This sequence change replaces isoleucine, which is neutral and non-polar, with valine, which is neutral and non-polar, at codon 447 of the DHTKD1 protein (p.Ile447Val). This variant is present in population databases (rs762716813, gnomAD 0.01%). This variant has not been reported in the literature in individuals affected with DHTKD1-related conditions. ClinVar contains an entry for this variant (Variation ID: 1984782). In summary, the available evidence is currently insufficient to determine the role of this variant in disease. Therefore, it has been classified as a Variant of Uncertain Significance.

NM_018706.7(DHTKD1):c.1339A>G (p.Ile447Val)

Gene: DHTKD1 (dehydrogenase E1 and transketolase domain containing 1; plus strand). Cytogenetic location: 10p14.
Variant type: single nucleotide variant.
Coding change: c.1339A>G on transcript NM_018706.7 (MANE Select); coding-DNA position 1339, A replaced by G.
Protein change: p.Ile447Val; replaces isoleucine 447 with valine.
Molecular consequence: missense variant.
Genome position (GRCh38, 1-based): chr10:12,094,252, A>G. VCF-style: chr10-12094252-A-G. GRCh37 (hg19) VCF-style: chr10-12136251-A-G.
Other names: short protein forms I447V.
Identifiers: ClinVar variation 1984782 (VCV001984782.4), dbSNP rs762716813, ClinGen allele CA5407813.